The following is an entry in ClinVar:

ClinVar aggregate classification (germline): Likely benign. Review status: criteria provided, multiple submitters, no conflicts (2 of 4 stars). 7 submissions from 7 submitters: Likely benign (6). 1 of the submissions does not count toward it. Last evaluated 2026-08-01.

Conditions:
Ullrich congenital muscular dystrophy 2 (UCMD2). Identifiers: Orphanet 75840, MedGen C4225314, MONDO:0014654, OMIM 616470.
Bethlem myopathy 2 (BTHLM2). Identifiers: Orphanet 536516, Orphanet 610, MedGen C4225313, MONDO:0034022, OMIM 616471.
COL12A1-related disorder. Also called: COL12A1-related condition.

Allele frequency attached by ClinVar (database versions not stated): 1000 Genomes Project 0.00020; 1000 Genomes Project 30x 0.00031; ESP Exome Variant Server 0.00033; gnomAD 0.00033 and 0.00036; ExAC 0.00037; gnomAD exomes 0.00041; TOPMed 0.00041.
gnomAD v4.1: 521 of 1,613,714 alleles (0.032%); highest among the groups gnomAD compares: Middle Eastern, 0.05%; no homozygotes.

Submissions (7):

CeGaT Center for Human Genetics Tuebingen
Classification: Likely benign. Last evaluated: 2026-08-01. Review status: criteria provided, single submitter. Criteria: CeGaT Center For Human Genetics Tuebingen Variant Classification Criteria Version 2. Collection method: clinical testing. Allele origin: germline. Affected: yes. Observed: 3 variant alleles.
Comment: COL12A1: BS1

Women's Health and Genetics/Laboratory Corporation of America, LabCorp
Classification: Likely benign. Last evaluated: 2026-06-29. Review status: criteria provided, single submitter. Criteria: LabCorp Variant Classification Summary - May 2015. Collection method: clinical testing. Allele origin: germline.
Comment: Variant summary: COL12A1 c.6752G>A (p.Arg2251His) results in a non-conservative amino acid change located in the Fibronectin type 3 domain (IPR003961) of the encoded protein sequence. Algorithms developed to predict the effect of missense changes on protein structure and function are either unavailable or do not agree on the potential impact of this missense change. The variant allele was found at a frequency of 0.00041 in 249116 control chromosomes (gnomAD). The observed variant frequency exceeds the estimated maximal expected allele frequency for disease-causing variants in COL12A1. c.6752G>A has been observed in at least one individual affected with skeletal muscle weakness without evidence of causality (e.g. Jarmula_2019). This report does not provide unequivocal conclusions about association of the variant with disease. To our knowledge, no experimental evidence demonstrating an impact on protein function has been reported. The following publication has been ascertained in the context of this evaluation (PMID: 31395899). ClinVar contains an entry for this variant (Variation ID: 542522). Based on the evidence outlined above, the variant was classified as likely benign.

Labcorp Genetics (formerly Invitae), Labcorp
Classification: Likely benign for Bethlem myopathy 2; Ullrich congenital muscular dystrophy 2. Last evaluated: 2026-01-28. Review status: criteria provided, single submitter. Criteria: Invitae Variant Classification Sherloc (09022015). Collection method: clinical testing. Allele origin: germline.

Mayo Clinic Laboratories, Mayo Clinic
Classification: Likely benign. Last evaluated: 2025-10-20. Review status: criteria provided, single submitter. Criteria: ACMG Guidelines, 2015. Collection method: clinical testing. Allele origin: germline. Observed: 1 variant allele.
Comment: BS1, BP4_moderate

Revvity Omics, Revvity
Classification: Likely benign. Last evaluated: 2023-10-31. Review status: criteria provided, single submitter. Criteria: ACMG Guidelines, 2015. Collection method: clinical testing. Allele origin: germline.

GeneDx
Classification: Likely benign. Last evaluated: 2021-08-12. Review status: criteria provided, single submitter. Criteria: GeneDx Variant Classification Process June 2021. Collection method: clinical testing. Allele origin: germline. Affected: yes.

PreventionGenetics, part of Exact Sciences
Classification: Likely benign for COL12A1-related condition. Last evaluated: 2024-08-22. Review status: no assertion criteria provided. Collection method: clinical testing. Allele origin: germline. Not counted in ClinVar's aggregate classification.
Comment: This variant is classified as likely benign based on ACMG/AMP sequence variant interpretation guidelines (Richards et al. 2015 PMID: 25741868, with internal and published modifications).

Literature cited by the submitters: PubMed 31395899 (cited by Women's Health and Genetics/Laboratory Corporation of America, LabCorp).

NM_004370.6(COL12A1):c.6752G>A (p.Arg2251His)

Gene: COL12A1 (collagen type XII alpha 1 chain; minus strand). Cytogenetic location: 6q13.
Variant type: single nucleotide variant.
Coding change: c.6752G>A on transcript NM_004370.6 (MANE Select); coding-DNA position 6752, G replaced by A.
Protein change: p.Arg2251His; replaces arginine 2251 with histidine.
Molecular consequence: missense variant.
Genome position (GRCh38, 1-based): chr6:75,124,067, C>T on the plus strand (G>A on the coding strand, the complement: COL12A1 is on the minus strand). VCF-style: chr6-75124067-C-T. GRCh37 (hg19) VCF-style: chr6-75833783-C-T.
Other names: p.Arg2251His; c.3260G>A, p.Arg1087His (NM_080645.3); short protein forms R2251H, R1087H.
Identifiers: ClinVar variation 542522 (VCV000542522.60), dbSNP rs151324784, ClinGen allele CA3892729.